The following is an entry in ClinVar:

NM_020750.3(XPO5):c.1221+5A>G

Genes: POLR1C (RNA polymerase I and III subunit C; plus strand), XPO5 (exportin 5; minus strand). Cytogenetic location: 6p21.1.
Variant type: single nucleotide variant.
Coding change: c.1221+5A>G on transcript NM_020750.3 (MANE Select); 5 bases into the intron after coding-DNA position 1221, A replaced by G.
Molecular consequence: intron variant.
Genome position (GRCh38, 1-based): chr6:43,560,173, T>C on the plus strand (A>G on the coding strand, the complement: XPO5 is on the minus strand). VCF-style: chr6-43560173-T-C. GRCh37 (hg19) VCF-style: chr6-43527910-T-C.
Other names: c.*43-1227T>C (NM_001363658.2).
Identifiers: ClinVar variation 4780997 (VCV004780997.1).

ClinVar aggregate classification (germline): Uncertain significance (1 of 4 stars; one submission).

Submission:

Labcorp Genetics (formerly Invitae), Labcorp
Classification: Uncertain significance. Last evaluated: 2025-02-27. Review status: criteria provided, single submitter. Criteria: Invitae Variant Classification Sherloc (09022015). Collection method: clinical testing. Allele origin: germline.
Comment: This sequence change falls in intron 11 of the XPO5 gene. It does not directly change the encoded amino acid sequence of the XPO5 protein. It affects a nucleotide within the consensus splice site. This variant is not present in population databases (gnomAD no frequency). This variant has not been reported in the literature in individuals affected with XPO5-related conditions. Variants that disrupt the consensus splice site are a relatively common cause of aberrant splicing (PMID: 17576681, 9536098). Algorithms developed to predict the effect of sequence changes on RNA splicing suggest that this variant is not likely to affect RNA splicing. In summary, the available evidence is currently insufficient to determine the role of this variant in disease. Therefore, it has been classified as a Variant of Uncertain Significance.

Literature cited by the submitters: PubMed 17576681; PubMed 9536098.